The following is an entry in ClinVar:

ClinVar aggregate classification (germline): Uncertain significance (1 of 4 stars; one submission).

Allele frequency attached by ClinVar (database versions not stated): gnomAD exomes below 0.00001; TOPMed 0.00001.
gnomAD v4.1: 1 of 1,587,062 alleles (0.000063%); highest among the groups gnomAD compares: African/African-American, 0.0013%; no homozygotes.

Submission:

Labcorp Genetics (formerly Invitae), Labcorp
Classification: Uncertain significance. Last evaluated: 2022-04-06. Review status: criteria provided, single submitter. Criteria: Invitae Variant Classification Sherloc (09022015). Collection method: clinical testing. Allele origin: germline.
Comment: In summary, the available evidence is currently insufficient to determine the role of this variant in disease. Therefore, it has been classified as a Variant of Uncertain Significance. Algorithms developed to predict the effect of sequence changes on RNA splicing suggest that this variant may disrupt the consensus splice site. This variant has not been reported in the literature in individuals affected with CDC45-related conditions. This variant is not present in population databases (gnomAD no frequency). This sequence change falls in intron 2 of the CDC45 gene. It does not directly change the encoded amino acid sequence of the CDC45 protein.

NM_003504.5(CDC45):c.112-9T>C

Gene: CDC45 (cell division cycle 45; plus strand). Cytogenetic location: 22q11.21.
Variant type: single nucleotide variant.
Coding change: c.112-9T>C on transcript NM_003504.5 (MANE Select); 9 bases into the intron before coding-DNA position 112, T replaced by C.
Molecular consequence: intron variant.
Genome position (GRCh38, 1-based): chr22:19,480,944, T>C. VCF-style: chr22-19480944-T-C. GRCh37 (hg19) VCF-style: chr22-19468467-T-C.
Other names: c.76-9T>C (NM_001369291.1); c.112-9T>C (NM_001178010.2, NM_001178011.2).
Identifiers: ClinVar variation 1950148 (VCV001950148.5), dbSNP rs1463290756, ClinGen allele CA751437819.